The following is an entry in ClinVar:

NM_000059.4(BRCA2):c.7385C>G (p.Ser2462Cys)

Gene: BRCA2 (BRCA2 DNA repair associated; plus strand). Cytogenetic location: 13q13.1.
Variant type: single nucleotide variant.
Coding change: c.7385C>G on transcript NM_000059.4 (MANE Select); coding-DNA position 7385, C replaced by G.
Protein change: p.Ser2462Cys; replaces serine 2462 with cysteine.
Molecular consequence: missense variant. On other transcripts: non-coding transcript variant (1).
Genome position (GRCh38, 1-based): chr13:32,355,238, C>G. VCF-style: chr13-32355238-C-G. GRCh37 (hg19) VCF-style: chr13-32929375-C-G.
Other names: c.7385C>G, p.Ser2462Cys (NM_001406720.1); c.2453C>G, p.Ser818Cys (NM_001406721.1); c.968C>G, p.Ser323Cys (NM_001406722.1); c.7289C>G, p.Ser2430Cys (NM_001406719.1); short protein forms S2462C, S323C, S2430C, S818C.
Identifiers: ClinVar variation 2752851 (VCV002752851.3), dbSNP rs2137558613, ClinGen allele CA387741736.

ClinVar aggregate classification (germline): Uncertain significance (1 of 4 stars; one submission).

Conditions:
Hereditary breast ovarian cancer syndrome. Also called: Hereditary breast and ovarian cancer; Hereditary breast and ovarian cancer syndrome; Breast and ovarian cancer; BRCA1- and BRCA2-Associated Hereditary Breast and Ovarian Cancer; Hereditary breast and ovarian cancer syndrome (HBOC); Hereditary breast and/or ovarian cancer syndrome. Identifiers: Orphanet 145, MedGen C0677776, MeSH D061325, MONDO:0003582. Disease mechanism: loss of function.

Submission:

Labcorp Genetics (formerly Invitae), Labcorp
Classification: Uncertain significance for Hereditary breast ovarian cancer syndrome. Last evaluated: 2023-08-16. Review status: criteria provided, single submitter. Criteria: Invitae Variant Classification Sherloc (09022015). Collection method: clinical testing. Allele origin: germline.
Comment: This sequence change replaces serine, which is neutral and polar, with cysteine, which is neutral and slightly polar, at codon 2462 of the BRCA2 protein (p.Ser2462Cys). This variant is not present in population databases (gnomAD no frequency). This variant has not been reported in the literature in individuals affected with BRCA2-related conditions. Advanced modeling of protein sequence and biophysical properties (such as structural, functional, and spatial information, amino acid conservation, physicochemical variation, residue mobility, and thermodynamic stability) performed at Invitae indicates that this missense variant is not expected to disrupt BRCA2 protein function. In summary, the available evidence is currently insufficient to determine the role of this variant in disease. Therefore, it has been classified as a Variant of Uncertain Significance.